The following is an entry in ClinVar:

ClinVar aggregate classification (germline): Benign/Likely benign. Review status: criteria provided, multiple submitters, no conflicts (2 of 4 stars). 6 submissions from 6 submitters: Benign (2); Likely benign (3). 1 of the submissions does not count toward it. Last evaluated 2025-10-25.

Conditions:
Hereditary cancer-predisposing syndrome. Also called: Hereditary neoplastic syndrome; Neoplastic Syndromes, Hereditary; Tumor predisposition; Hereditary Cancer Syndrome. Identifiers: Orphanet 140162, MedGen C0027672, MeSH D009386, MONDO:0015356.
Tuberous sclerosis 2 (TSC2). Identifiers: Orphanet 805, MedGen C1860707, MONDO:0013199, OMIM 613254.

Allele frequency attached by ClinVar (database versions not stated): TOPMed 0.00001; gnomAD 0.00002.
gnomAD v4.1: 10 of 1,605,228 alleles (0.00062%); highest among the groups gnomAD compares: Middle Eastern, 0.018%; no homozygotes.

Submissions (6):

Labcorp Genetics (formerly Invitae), Labcorp
Classification: Likely benign for Tuberous sclerosis 2. Last evaluated: 2025-10-25. Review status: criteria provided, single submitter. Criteria: Invitae Variant Classification Sherloc (09022015). Collection method: clinical testing. Allele origin: germline.

Myriad Genetics, Inc.
Classification: Benign for Tuberous sclerosis 2. Last evaluated: 2025-06-05. Review status: criteria provided, single submitter. Criteria: Myriad Autosomal Dominant, Autosomal Recessive and X-Linked Classification Criteria (2023). Collection method: clinical testing. Allele origin: unknown.
Comment: This variant is considered benign. This variant is a silent/synonymous amino acid change and it is not expected to impact splicing.

Genome-Nilou Lab
Classification: Benign for Tuberous sclerosis 2. Last evaluated: 2021-11-07. Review status: criteria provided, single submitter. Criteria: ACMG Guidelines, 2015. Collection method: clinical testing. Allele origin: germline. Affected: no.

GeneDx
Classification: Likely benign. Last evaluated: 2019-12-13. Review status: criteria provided, single submitter. Criteria: GeneDx Variant Classification Process June 2021. Collection method: clinical testing. Allele origin: germline. Affected: yes.

Ambry Genetics
Classification: Likely benign for Hereditary cancer-predisposing syndrome. Last evaluated: 2018-12-13. Review status: criteria provided, single submitter. Criteria: Ambry Variant Classification Scheme 2023. Collection method: clinical testing. Allele origin: germline.

Genetic Services Laboratory, University of Chicago
Classification: Likely benign. Last evaluated: 2022-07-27. Review status: no assertion criteria provided. Collection method: clinical testing. Allele origin: germline. Affected: no. Not counted in ClinVar's aggregate classification.

NM_000548.5(TSC2):c.4956C>T (p.Asp1652=)

Gene: TSC2 (TSC complex subunit 2; plus strand). Cytogenetic location: 16p13.3.
Variant type: single nucleotide variant.
Coding change: c.4956C>T on transcript NM_000548.5 (MANE Select); coding-DNA position 4956, C replaced by T.
Protein change: p.Asp1652=; no amino-acid change (aspartic acid 1652 retained).
Molecular consequence: synonymous variant.
Genome position (GRCh38, 1-based): chr16:2,086,838, C>T. VCF-style: chr16-2086838-C-T. GRCh37 (hg19) VCF-style: chr16-2136839-C-T.
Other names: c.4755C>T, p.Asp1585= (NM_001077183.3); c.4887C>T, p.Asp1629= (NM_001114382.3); c.4647C>T, p.Asp1549= (NM_001318827.2); c.4611C>T, p.Asp1537= (NM_001318829.2); c.4224C>T, p.Asp1408= (NM_001318831.2); c.4788C>T, p.Asp1596= (NM_001318832.2); c.4758C>T, p.Asp1586= (NM_001363528.2); c.4824C>T, p.Asp1608= (NM_001370404.1); and 2 more.
Identifiers: ClinVar variation 468121 (VCV000468121.21), dbSNP rs1376515823, ClinGen allele CA492960001.